The following is an entry in ClinVar:

ClinVar aggregate classification (germline): Uncertain significance (1 of 4 stars; one submission).

Conditions:
Koolen-de Vries syndrome (KDVS). Identifiers: Orphanet 96169, MedGen C1864871, MONDO:0012496, OMIM 610443.

gnomAD v4.1: 47 of 1,613,992 alleles (0.0029%); highest among the groups gnomAD compares: Non-Finnish European, 0.0036%; no homozygotes.

Submission:

Labcorp Genetics (formerly Invitae), Labcorp
Classification: Uncertain significance for Koolen-de Vries syndrome. Last evaluated: 2024-06-10. Review status: criteria provided, single submitter. Criteria: Invitae Variant Classification Sherloc (09022015). Collection method: clinical testing. Allele origin: germline.
Comment: This sequence change replaces serine, which is neutral and polar, with threonine, which is neutral and polar, at codon 564 of the KANSL1 protein (p.Ser564Thr). This variant is present in population databases (rs765305846, gnomAD 0.02%). This variant has not been reported in the literature in individuals affected with KANSL1-related conditions. Advanced modeling of protein sequence and biophysical properties (such as structural, functional, and spatial information, amino acid conservation, physicochemical variation, residue mobility, and thermodynamic stability) performed at Invitae indicates that this missense variant is not expected to disrupt KANSL1 protein function with a negative predictive value of 80%. In summary, the available evidence is currently insufficient to determine the role of this variant in disease. Therefore, it has been classified as a Variant of Uncertain Significance.

NM_015443.4(KANSL1):c.1691G>C (p.Ser564Thr)

Gene: KANSL1 (KAT8 regulatory NSL complex subunit 1). Cytogenetic location: 17q21.31.
Variant type: single nucleotide variant.
Coding change: c.1691G>C on transcript NM_015443.4 (MANE Select); coding-DNA position 1691, G replaced by C.
Protein change: p.Ser564Thr; replaces serine 564 with threonine.
Molecular consequence: missense variant.
Genome position (GRCh38, 1-based): chr17:46,066,694, C>G on the plus strand (G>C on the coding strand, the complement: KANSL1 is on the minus strand). VCF-style: chr17-46066694-C-G. GRCh37 (hg19) VCF-style: chr17-44144060-C-G.
Other names: c.1691G>C, p.Ser564Thr (NM_001193465.2, NM_001193466.2, NM_001379198.1 and 14 more transcripts); c.1589G>C, p.Ser530Thr (NM_001405881.1, NM_001405859.1, NM_001405860.1 and 1 more transcripts); c.425G>C, p.Ser142Thr (NM_001405882.1, NM_001405883.1, NM_001405884.1 and 1 more transcripts); short protein forms S142T, S530T, S564T.
Identifiers: ClinVar variation 3617276 (VCV003617276.2).